The following is an entry in ClinVar:

NM_001267550.2(TTN):c.45630C>T (p.Ile15210=)

Gene: TTN (titin; minus strand). Cytogenetic location: 2q31.2.
Variant type: single nucleotide variant.
Coding change: c.45630C>T on transcript NM_001267550.2 (MANE Select); coding-DNA position 45630, C replaced by T.
Protein change: p.Ile15210=; no amino-acid change (isoleucine 15210 retained).
Molecular consequence: synonymous variant.
Genome position (GRCh38, 1-based): chr2:178,620,980, G>A on the plus strand (C>T on the coding strand, the complement: TTN is on the minus strand). VCF-style: chr2-178620980-G-A. GRCh37 (hg19) VCF-style: chr2-179485707-G-A.
Other names: c.40707C>T, p.Ile13569= (NM_001256850.1); c.18435C>T, p.Ile6145= (NM_003319.4); c.37926C>T, p.Ile12642= (NM_133378.4); c.18810C>T, p.Ile6270= (NM_133432.3); c.19011C>T, p.Ile6337= (NM_133437.4).
Identifiers: ClinVar variation 682162 (VCV000682162.11), dbSNP rs534018757, ClinGen allele CA1995387.

ClinVar aggregate classification (germline): Likely benign. Review status: criteria provided, multiple submitters, no conflicts (2 of 4 stars). 4 submissions from 4 submitters: Likely benign (4). Last evaluated 2025-06-29.

Conditions:
Cardiovascular phenotype. Identifiers: MedGen CN230736.
Dilated cardiomyopathy 1G (CMD1G). Identifiers: Orphanet 154, MedGen C1858763, MONDO:0011400, OMIM 604145.
Autosomal recessive limb-girdle muscular dystrophy type 2J (LGMDR10). Also called: MUSCULAR DYSTROPHY, LIMB-GIRDLE, AUTOSOMAL RECESSIVE 10; Limb-girdle muscular dystrophy, type 2J. Identifiers: Orphanet 140922, MedGen C1837342, MONDO:0012127, OMIM 608807.

Allele frequency attached by ClinVar (database versions not stated): gnomAD 0.00001; TOPMed 0.00001; ExAC 0.00002; gnomAD exomes 0.00002; 1000 Genomes Project 30x 0.00016; 1000 Genomes Project 0.00020.

Submissions (4):

Labcorp Genetics (formerly Invitae), Labcorp
Classification: Likely benign for Dilated cardiomyopathy 1G; Autosomal recessive limb-girdle muscular dystrophy type 2J. Last evaluated: 2025-06-29. Review status: criteria provided, single submitter. Criteria: Invitae Variant Classification Sherloc (09022015). Collection method: clinical testing. Allele origin: germline.

Molecular Diagnostic Laboratory for Inherited Cardiovascular Disease, Montreal Heart Institute
Classification: Likely benign. Last evaluated: 2025-04-09. Review status: criteria provided, single submitter. Criteria: ACMG Guidelines, 2015. Collection method: clinical testing. Allele origin: germline. Affected: no.

Ambry Genetics
Classification: Likely benign for Cardiovascular phenotype. Last evaluated: 2025-01-28. Review status: criteria provided, single submitter. Criteria: Ambry Variant Classification Scheme 2023. Collection method: clinical testing. Allele origin: germline.

GeneDx
Classification: Likely benign. Last evaluated: 2018-04-10. Review status: criteria provided, single submitter. Criteria: GeneDx Variant Classification (06012015). Collection method: clinical testing. Allele origin: germline. Affected: yes.
Comment: This variant is considered likely benign or benign based on one or more of the following criteria: it is a conservative change, it occurs at a poorly conserved position in the protein, it is predicted to be benign by multiple in silico algorithms, and/or has population frequency not consistent with disease.